The following is an entry in ClinVar:

ClinVar aggregate classification (germline): Uncertain significance. Review status: criteria provided, multiple submitters, no conflicts (2 of 4 stars). 2 submissions from 2 submitters: Uncertain significance (2). Last evaluated 2026-07-08.

Conditions:
Inborn genetic diseases. Identifiers: MedGen C0950123, MeSH D030342.

Allele frequency attached by ClinVar (database versions not stated): gnomAD 0.00001.
gnomAD v4.1: 1 of 1,606,098 alleles (0.000062%); highest among the groups gnomAD compares: African/African-American, 0.0013%; no homozygotes.

Submissions (2):

Ambry Genetics
Classification: Uncertain significance for Inborn genetic diseases. Last evaluated: 2026-07-08. Review status: criteria provided, single submitter. Criteria: Ambry Variant Classification Scheme 2023. Collection method: clinical testing. Allele origin: germline.

Labcorp Genetics (formerly Invitae), Labcorp
Classification: Uncertain significance. Last evaluated: 2022-06-13. Review status: criteria provided, single submitter. Criteria: Invitae Variant Classification Sherloc (09022015). Collection method: clinical testing. Allele origin: germline.
Comment: This sequence change replaces asparagine, which is neutral and polar, with aspartic acid, which is acidic and polar, at codon 88 of the ZBTB20 protein (p.Asn88Asp). This variant is not present in population databases (gnomAD no frequency). In summary, the available evidence is currently insufficient to determine the role of this variant in disease. Therefore, it has been classified as a Variant of Uncertain Significance. Algorithms developed to predict the effect of missense changes on protein structure and function are either unavailable or do not agree on the potential impact of this missense change (SIFT: "Deleterious"; PolyPhen-2: "Possibly Damaging"; Align-GVGD: "Class C15"). This variant has not been reported in the literature in individuals affected with ZBTB20-related conditions.

NM_001348800.3(ZBTB20):c.262A>G (p.Asn88Asp)

Genes: ZBTB20 (zinc finger and BTB domain containing 20; minus strand), ZBTB20-AS1 (ZBTB20 antisense RNA 1; plus strand). Cytogenetic location: 3q13.31.
Variant type: single nucleotide variant.
Coding change: c.262A>G on transcript NM_001348800.3 (MANE Select); coding-DNA position 262, A replaced by G.
Protein change: p.Asn88Asp; replaces asparagine 88 with aspartic acid.
Molecular consequence: missense variant. On other transcripts: non-coding transcript variant (1).
Genome position (GRCh38, 1-based): chr3:114,351,816, T>C on the plus strand (A>G on the coding strand, the complement: ZBTB20 is on the minus strand). VCF-style: chr3-114351816-T-C. GRCh37 (hg19) VCF-style: chr3-114070663-T-C.
Other names: c.262A>G (NM_001164342.1); c.43A>G, p.Asn15Asp (NM_001348802.3, NM_001348804.3, NM_001348805.3 and 9 more transcripts); c.262A>G, p.Asn88Asp (NM_001348803.3, NM_001393393.1, NM_001393394.1 and 1 more transcripts); short protein forms N88D, N15D.
Identifiers: ClinVar variation 2005417 (VCV002005417.5), dbSNP rs2080697053, ClinGen allele CA354017857.